The following is an entry in ClinVar:

NM_001379200.1(TBX1):c.490G>A (p.Asp164Asn)

Gene: TBX1 (T-box transcription factor 1; plus strand). Cytogenetic location: 22q11.21.
Variant type: single nucleotide variant.
Coding change: c.490G>A on transcript NM_001379200.1 (MANE Select); coding-DNA position 490, G replaced by A.
Protein change: p.Asp164Asn; replaces aspartic acid 164 with asparagine.
Molecular consequence: missense variant.
Genome position (GRCh38, 1-based): chr22:19,763,293, G>A. VCF-style: chr22-19763293-G-A. GRCh37 (hg19) VCF-style: chr22-19750816-G-A.
Other names: c.463G>A, p.Asp155Asn (NM_005992.1, NM_080646.2, NM_080647.1); short protein forms D155N, D164N.
Identifiers: ClinVar variation 1957553 (VCV001957553.5), dbSNP rs374011293, ClinGen allele CA10102448.
Genomic context (GRCh38, chr22:19,763,293, plus strand): 5'-ACCCCCAGGCGGATGTTTCCCACCTTCCAAGTGAAGCTCTTCGGCATGGATCCCATGGCC[G>A]ACTATATGCTGCTCATGGACTTCGTGCCGGTGGACGATAAGCGCTACCGGTGAGCGAGTG-3'
Protein context (NP_001366129.1, residues 154-174): VKLFGMDPMA[Asp164Asn]YMLLMDFVPV

ClinVar aggregate classification (germline): Uncertain significance (1 of 4 stars; one submission).

Conditions:
DiGeorge syndrome. Also called: THIRD AND FOURTH PHARYNGEAL POUCH SYNDROME; Catch22. Identifiers: Orphanet 567, MedGen C0012236, MONDO:0008564, OMIM 188400.

Allele frequency attached by ClinVar (database versions not stated): gnomAD 0.00003; TOPMed 0.00003; ESP Exome Variant Server 0.00008.
gnomAD v4.1: 10 of 1,614,092 alleles (0.00062%); highest among the groups gnomAD compares: East Asian, 0.013%; no homozygotes.

Submission:

Labcorp Genetics (formerly Invitae), Labcorp
Classification: Uncertain significance for DiGeorge syndrome. Last evaluated: 2021-12-09. Review status: criteria provided, single submitter. Criteria: Invitae Variant Classification Sherloc (09022015). Collection method: clinical testing. Allele origin: germline.
Comment: In summary, the available evidence is currently insufficient to determine the role of this variant in disease. Therefore, it has been classified as a Variant of Uncertain Significance. Algorithms developed to predict the effect of missense changes on protein structure and function are either unavailable or do not agree on the potential impact of this missense change (SIFT: "Tolerated"; PolyPhen-2: "Probably Damaging"; Align-GVGD: "Class C0"). This variant has not been reported in the literature in individuals affected with TBX1-related conditions. This variant is present in population databases (rs374011293, gnomAD 0.02%). This sequence change replaces aspartic acid, which is acidic and polar, with asparagine, which is neutral and polar, at codon 155 of the TBX1 protein (p.Asp155Asn).